The following is an entry in ClinVar:

NM_006033.4(LIPG):c.923G>C (p.Cys308Ser)

Gene: LIPG (lipase G, endothelial type; plus strand). Cytogenetic location: 18q21.1.
Variant type: single nucleotide variant.
Coding change: c.923G>C on transcript NM_006033.4 (MANE Select); coding-DNA position 923, G replaced by C.
Protein change: p.Cys308Ser; replaces cysteine 308 with serine.
Molecular consequence: missense variant.
Genome position (GRCh38, 1-based): chr18:49,581,544, G>C. VCF-style: chr18-49581544-G-C. GRCh37 (hg19) VCF-style: chr18-47107914-G-C.
Other names: c.701G>C, p.Cys234Ser (NM_001308006.2); short protein forms C234S, C308S.
Identifiers: ClinVar variation 3619465 (VCV003619465.2).

ClinVar aggregate classification (germline): Uncertain significance (1 of 4 stars; one submission).

gnomAD v4.1: 1 of 1,614,218 alleles (0.000062%); highest among the groups gnomAD compares: Admixed American, 0.0017%; no homozygotes.

Submission:

Labcorp Genetics (formerly Invitae), Labcorp
Classification: Uncertain significance. Last evaluated: 2024-07-22. Review status: criteria provided, single submitter. Criteria: Invitae Variant Classification Sherloc (09022015). Collection method: clinical testing. Allele origin: germline.
Comment: This sequence change replaces cysteine, which is neutral and slightly polar, with serine, which is neutral and polar, at codon 308 of the LIPG protein (p.Cys308Ser). This variant is not present in population databases (gnomAD no frequency). This variant has not been reported in the literature in individuals affected with LIPG-related conditions. An algorithm developed to predict the effect of missense changes on protein structure and function (PolyPhen-2) suggests that this variant is likely to be disruptive. In summary, the available evidence is currently insufficient to determine the role of this variant in disease. Therefore, it has been classified as a Variant of Uncertain Significance.